The following is an entry in ClinVar:

NM_001367943.1(TCF7L2):c.1536C>G (p.Pro512=)

Gene: TCF7L2 (transcription factor 7 like 2; plus strand). Cytogenetic location: 10q25.3.
Variant type: single nucleotide variant.
Coding change: c.1536C>G on transcript NM_001367943.1 (MANE Select); coding-DNA position 1536, C replaced by G.
Protein change: p.Pro512=; no amino-acid change (proline 512 retained).
Molecular consequence: synonymous variant. On other transcripts: 3 prime UTR variant (12).
Genome position (GRCh38, 1-based): chr10:113,165,648, C>G. VCF-style: chr10-113165648-C-G. GRCh37 (hg19) VCF-style: chr10-114925407-C-G.
Other names: c.1485C>G, p.Pro495= (NM_001146274.2); c.*14C>G (NM_001146283.2, NM_001146284.2, NM_001146286.2 and 4 more transcripts); c.1416C>G, p.Pro472= (NM_001146285.2, NM_001198526.2); c.*124C>G (NM_001198525.2); c.*112C>G (NM_001198527.2, NM_001198528.2, NM_001349870.2 and 1 more transcripts); c.1467C>G, p.Pro489= (NM_030756.5).
Identifiers: ClinVar variation 719283 (VCV000719283.29), dbSNP rs149031135, ClinGen allele CA5693271.

ClinVar aggregate classification (germline): Benign. Review status: criteria provided, multiple submitters, no conflicts (2 of 4 stars). 3 submissions from 3 submitters: Benign (3). Last evaluated 2026-07-01.

Allele frequency attached by ClinVar (database versions not stated): 1000 Genomes Project 0.00140; 1000 Genomes Project 30x 0.00141; TOPMed 0.00365; gnomAD 0.00456; ESP Exome Variant Server 0.00477.
gnomAD v4.1: 9,828 of 1,612,266 alleles (0.61%); highest among the groups gnomAD compares: Non-Finnish European, 0.73%; 36 homozygotes.

Submissions (3):

CeGaT Center for Human Genetics Tuebingen
Classification: Benign. Last evaluated: 2026-07-01. Review status: criteria provided, single submitter. Criteria: CeGaT Center For Human Genetics Tuebingen Variant Classification Criteria Version 2. Collection method: clinical testing. Allele origin: germline. Affected: yes. Observed: 10 variant alleles.
Comment: TCF7L2: BP4, BP7, BS1, BS2

Labcorp Genetics (formerly Invitae), Labcorp
Classification: Benign. Last evaluated: 2019-12-31. Review status: criteria provided, single submitter. Criteria: Invitae Variant Classification Sherloc (09022015). Collection method: clinical testing. Allele origin: germline.

Breakthrough Genomics
Classification: Benign. Review status: criteria provided, single submitter. Criteria: ACMG Guidelines, 2015. Collection method: not provided. Allele origin: germline. Inheritance: Autosomal dominant inheritance. Affected: yes.